The following is an entry in ClinVar:

NM_020975.6(RET):c.3311C>T (p.Ser1104Leu)

Gene: RET (ret proto-oncogene; plus strand). Cytogenetic location: 10q11.21.
Variant type: single nucleotide variant.
Coding change: c.3311C>T on transcript NM_020975.6 (MANE Select); coding-DNA position 3311, C replaced by T.
Protein change: p.Ser1104Leu; replaces serine 1104 with leucine.
Molecular consequence: missense variant.
Genome position (GRCh38, 1-based): chr10:43,128,235, C>T. VCF-style: chr10-43128235-C-T. GRCh37 (hg19) VCF-style: chr10-43623683-C-T.
Other names: short protein forms S1104L.
Identifiers: ClinVar variation 1026400 (VCV001026400.8), dbSNP rs1838377764, ClinGen allele CA376559262.

ClinVar aggregate classification (germline): Uncertain significance (1 of 4 stars; one submission).

Conditions:
Multiple endocrine neoplasia, type 2 (MEN2). Identifiers: Orphanet 653, MedGen C4048306, MONDO:0019003. Disease mechanism: gain of function.

Submission:

Labcorp Genetics (formerly Invitae), Labcorp
Classification: Uncertain significance for Multiple endocrine neoplasia, type 2. Last evaluated: 2020-10-21. Review status: criteria provided, single submitter. Criteria: Invitae Variant Classification Sherloc (09022015). Collection method: clinical testing. Allele origin: germline.
Comment: This sequence change replaces serine with leucine at codon 1104 of the RET protein (p.Ser1104Leu). The serine residue is highly conserved and there is a large physicochemical difference between serine and leucine. This variant is not present in population databases (ExAC no frequency). This variant has not been reported in the literature in individuals with RET-related conditions. Algorithms developed to predict the effect of missense changes on protein structure and function are either unavailable or do not agree on the potential impact of this missense change (SIFT: "Deleterious"; PolyPhen-2: "Benign"; Align-GVGD: "Class C0"). In summary, the available evidence is currently insufficient to determine the role of this variant in disease. Therefore, it has been classified as a Variant of Uncertain Significance.